The following is an entry in ClinVar:

NM_004972.4(JAK2):c.1611_1616del (p.Phe537_Lys539delinsLeu)

Genes: INSL6 (insulin like 6; minus strand), JAK2 (Janus kinase 2; plus strand). Cytogenetic location: 9p24.1.
Variant type: Deletion.
Coding change: c.1611_1616del on transcript NM_004972.4 (MANE Select); coding-DNA positions 1611 to 1616, 6 bases deleted (TCACAA; older notation c.1611_1616delTCACAA).
Protein change: p.Phe537_Lys539delinsLeu.
Molecular consequence: inframe indel. On other transcripts: non-coding transcript variant (2).
Genome position (GRCh38, 1-based): chr9:5,070,022-5,070,027, TCACAA deleted. VCF-style (leftmost placement, unchanged base first): chr9-5070021-TTCACAA-T. GRCh37 (hg19) VCF-style: chr9-5070021-TTCACAA-T.
Other names: c.1611_1616del, p.Phe537_Lys539delinsLeu (NM_001322194.2, NM_001322195.2, NM_001322196.2); c.396_401del, p.Phe132_Lys134delinsLeu (NM_001322198.2, NM_001322199.2); c.1164_1169del, p.Phe388_Lys390delinsLeu (NM_001322204.2).
Identifiers: ClinVar variation 5036709 (VCV005036709.1).

ClinVar aggregate classification (germline): Pathogenic (1 of 4 stars; one submission).

Conditions:
Acquired polycythemia vera. Also called: POLYCYTHEMIA RUBRA VERA; Polycythemia vera, somatic; Suspected polycythemia vera. Identifiers: Orphanet 729, MedGen C0032463, MeSH D011087, MONDO:0009891, OMIM 263300.

Submission:

Dept of Medical Biology, Uskudar University
Classification: Pathogenic for Acquired polycythemia vera. Last evaluated: 2026-09-16. Review status: criteria provided, single submitter. Criteria: Dept of Medical Biology Variant Classification. Collection method: research. Allele origin: unknown. Affected: yes. Observed: 1 variant allele.
Comment: PS3: JAK2 exon 12 mutations confer erythropoietin-independent growth and constitutive JAK-STAT signalling in functional studies (PMID:17267906). PS4_moderate: JAK2 exon 12 in-frame changes at residues 537-543 are recurrent in JAK2 V617F-negative polycythaemia vera (PMID:17267906); this allele is recorded in COSMIC (COSM24437). PM1: located in the exon 12 mutational hotspot (residues 537-543) of the JAK2 pseudokinase-SH2 linker region. PM4: in-frame deletion that changes protein length in a non-repetitive region. PM2_supporting: rare in gnomAD v4.1 (one allele; 6.9e-07). Classified as pathogenic under the ACMG/AMP 2015 guidelines (PMID:25741868). Detected in a retrospective series of 256 BCR::ABL1-negative and JAK2 V617F-negative patients referred for molecular investigation of a suspected myeloproliferative neoplasm (May 2007 to January 2015) and re-interpreted under the ACMG/AMP 2015 criteria.

Literature cited by the submitters: PubMed 17267906.